The following is an entry in ClinVar:

NM_205836.3(FBXO38):c.1914G>C (p.Leu638Phe)

Gene: FBXO38 (F-box protein 38; plus strand). Cytogenetic location: 5q32.
Variant type: single nucleotide variant.
Coding change: c.1914G>C on transcript NM_205836.3 (MANE Select); coding-DNA position 1914, G replaced by C.
Protein change: p.Leu638Phe; replaces leucine 638 with phenylalanine.
Molecular consequence: missense variant.
Genome position (GRCh38, 1-based): chr5:148,425,697, G>C. VCF-style: chr5-148425697-G-C. GRCh37 (hg19) VCF-style: chr5-147805260-G-C.
Other names: c.1914G>C (NM_030793.4); c.1914G>C, p.Leu638Phe (NM_001271723.2, NM_030793.5); short protein forms L638F.
Identifiers: ClinVar variation 2721833 (VCV002721833.4), dbSNP rs142402947, ClinGen allele CA361655898.

ClinVar aggregate classification (germline): Uncertain significance. Review status: criteria provided, multiple submitters, no conflicts (2 of 4 stars). 2 submissions from 2 submitters: Uncertain significance (2). Last evaluated 2026-06-26.

Conditions:
FBXO38-related disorder. Also called: FBXO38-related condition.
Distal hereditary motor neuropathy type 2. Identifiers: Orphanet 139525, MedGen C3711384, MeSH C580044, MONDO:0015352.

Allele frequency attached by ClinVar (database versions not stated): TOPMed 0.00001.
gnomAD v4.1: 1 of 1,612,444 alleles (0.000062%); highest among the groups gnomAD compares: Non-Finnish European, 0.000085%; no homozygotes.

Submissions (2):

PreventionGenetics, part of Exact Sciences
Classification: Uncertain significance for FBXO38-related condition. Last evaluated: 2026-06-26. Review status: criteria provided, single submitter. Criteria: ACMG Guidelines, 2015. Collection method: clinical testing. Allele origin: germline.
Comment: The FBXO38 c.1914G>C variant is predicted to result in the amino acid substitution p.Leu638Phe. To our knowledge, this variant has not been reported in the literature. This variant is reported in 0.0065% of alleles in individuals of European (non-Finnish) descent in gnomAD. At this time, the clinical significance of this variant is uncertain due to the absence of conclusive functional and genetic evidence.

Labcorp Genetics (formerly Invitae), Labcorp
Classification: Uncertain significance for Distal hereditary motor neuropathy type 2. Last evaluated: 2024-06-10. Review status: criteria provided, single submitter. Criteria: Invitae Variant Classification Sherloc (09022015). Collection method: clinical testing. Allele origin: germline.
Comment: This sequence change replaces leucine, which is neutral and non-polar, with phenylalanine, which is neutral and non-polar, at codon 638 of the FBXO38 protein (p.Leu638Phe). This variant is not present in population databases (gnomAD no frequency). This variant has not been reported in the literature in individuals affected with FBXO38-related conditions. Advanced modeling of protein sequence and biophysical properties (such as structural, functional, and spatial information, amino acid conservation, physicochemical variation, residue mobility, and thermodynamic stability) performed at Invitae indicates that this missense variant is not expected to disrupt FBXO38 protein function with a negative predictive value of 80%. In summary, the available evidence is currently insufficient to determine the role of this variant in disease. Therefore, it has been classified as a Variant of Uncertain Significance.